The following is an entry in ClinVar:

ClinVar aggregate classification (germline): Uncertain significance (1 of 4 stars; one submission).

Submission:

GeneDx
Classification: Uncertain significance. Last evaluated: 2024-03-23. Review status: criteria provided, single submitter. Criteria: GeneDx Variant Classification Process June 2021. Collection method: clinical testing. Allele origin: germline. Affected: yes.
Comment: Not observed at significant frequency in large population cohorts (gnomAD); In silico analysis supports that this missense variant does not alter protein structure/function; Has not been previously published as pathogenic or benign to our knowledge

NM_153252.5(BRWD3):c.1609T>A (p.Leu537Met)

Gene: BRWD3 (bromodomain and WD repeat domain containing 3; minus strand). Cytogenetic location: Xq21.1.
Variant type: single nucleotide variant.
Coding change: c.1609T>A on transcript NM_153252.5 (MANE Select); coding-DNA position 1609, T replaced by A.
Protein change: p.Leu537Met; replaces leucine 537 with methionine.
Molecular consequence: missense variant.
Genome position (GRCh38, 1-based): chrX:80,723,789, A>T on the plus strand (T>A on the coding strand, the complement: BRWD3 is on the minus strand). VCF-style: chrX-80723789-A-T. GRCh37 (hg19) VCF-style: chrX-79979288-A-T.
Other names: short protein forms L537M.
Identifiers: ClinVar variation 3371494 (VCV003371494.1).